The following is an entry in ClinVar:

ClinVar aggregate classification (germline): Uncertain significance (1 of 4 stars; one submission).

Conditions:
Intellectual developmental disorder, X-linked, syndromic, Pilorge type. Identifiers: MedGen C5676881, MONDO:0024772, OMIM 301076.

Submission:

Broad Center for Mendelian Genomics, Broad Institute of MIT and Harvard
Classification: Uncertain significance for Intellectual developmental disorder, X-linked, syndromic, Pilorge type. Last evaluated: 2023-12-20. Review status: criteria provided, single submitter. Criteria: ACMG Guidelines, 2015. Collection method: curation. Allele origin: germline. Inheritance: X-linked inheritance. Study: GREGoR Consortium.
Comment: Trio exome analysis showed this variant to be de novo. This variant was absent from large population studies. Computational prediction tools and conservation analyses suggest that this variant may impact the protein, though this information is not predictive enough to determine pathogenicity. In summary, while there is some suspicion for a pathogenic role, the clinical significance of this variant is uncertain. ACMG/AMP Criteria applied: PP3, PM2_supporting, PS2_supporting (Richards 2015).

NM_002063.4(GLRA2):c.659A>C (p.Gln220Pro)

Gene: GLRA2 (glycine receptor alpha 2; plus strand). Cytogenetic location: Xp22.2.
Variant type: single nucleotide variant.
Coding change: c.659A>C on transcript NM_002063.4 (MANE Select); coding-DNA position 659, A replaced by C.
Protein change: p.Gln220Pro; replaces glutamine 220 with proline.
Molecular consequence: missense variant.
Genome position (GRCh38, 1-based): chrX:14,607,212, A>C. VCF-style: chrX-14607212-A-C. GRCh37 (hg19) VCF-style: chrX-14625334-A-C.
Other names: NM_001171942.2:c.392A>C; c.659A>C, p.Gln220Pro (NM_001118885.2, NM_001118886.2); c.392A>C, p.Gln131Pro (NM_001171942.2); short protein forms Q131P, Q220P.
Identifiers: ClinVar variation 2674608 (VCV002674608.1), dbSNP rs2518571037, ClinGen allele CA412433642.
Genomic context (GRCh38, chrX:14,607,212, plus strand): 5'-TGATATTTGAGTGGTTAAGTGATGGTCCAGTGCAAGTTGCTGAAGGATTGACCCTGCCCC[A>C]GTTTATTTTGAAAGAAGAGAAGGAACTTGGCTACTGTACAAAGCACTACAACACTGGTAA-3'
Protein context (NP_002054.1, residues 210-230): VQVAEGLTLP[Gln220Pro]FILKEEKELG